The following is an entry in ClinVar:

ClinVar aggregate classification (germline): Uncertain significance (1 of 4 stars; one submission).

Conditions:
Sacral defect with anterior meningocele. Identifiers: MedGen C1838568, OMIM 600145.
Neural tube defects, susceptibility to. Identifiers: MedGen C3891448, MONDO:0020705, OMIM 182940.

Submission:

Juno Genomics, Hangzhou Juno Genomics, Inc
Classification: Uncertain significance for Neural tube defects, susceptibility to; Sacral defect with anterior meningocele. Review status: criteria provided, single submitter. Criteria: ACMG Guidelines, 2015. Collection method: clinical testing. Allele origin: germline.
Comment: Absent from controls (or at extremely low frequency if recessive) in Genome Aggregation Database.;Multiple lines of computational evidence support a deleterious effect on the gene or gene product.

NM_138959.3(VANGL1):c.920C>T (p.Ala307Val)

Gene: VANGL1 (VANGL planar cell polarity protein 1; plus strand). Cytogenetic location: 1p13.1.
Variant type: single nucleotide variant.
Coding change: c.920C>T on transcript NM_138959.3 (MANE Select); coding-DNA position 920, C replaced by T.
Protein change: p.Ala307Val; replaces alanine 307 with valine.
Molecular consequence: missense variant.
Genome position (GRCh38, 1-based): chr1:115,682,471, C>T. VCF-style: chr1-115682471-C-T. GRCh37 (hg19) VCF-style: chr1-116225092-C-T.
Other names: c.914C>T, p.Ala305Val (NM_001172411.2); c.920C>T, p.Ala307Val (NM_001172412.2); short protein forms A305V, A307V.
Identifiers: ClinVar variation 5018710 (VCV005018710.2).